The following is an entry in ClinVar:

ClinVar aggregate classification (germline): Uncertain significance (1 of 4 stars; one submission).

Allele frequency attached by ClinVar (database versions not stated): gnomAD 0.00001; TOPMed 0.00001; ExAC 0.00002.
gnomAD v4.1: 23 of 1,614,118 alleles (0.0014%); highest among the groups gnomAD compares: Middle Eastern, 0.066%; no homozygotes.

Submission:

Labcorp Genetics (formerly Invitae), Labcorp
Classification: Uncertain significance. Last evaluated: 2022-09-26. Review status: criteria provided, single submitter. Criteria: Invitae Variant Classification Sherloc (09022015). Collection method: clinical testing. Allele origin: germline.
Comment: Algorithms developed to predict the effect of missense changes on protein structure and function (SIFT, PolyPhen-2, Align-GVGD) all suggest that this variant is likely to be tolerated. This sequence change replaces proline, which is neutral and non-polar, with leucine, which is neutral and non-polar, at codon 673 of the ANKZF1 protein (p.Pro673Leu). This variant is present in population databases (rs200850569, gnomAD 0.003%). This variant has not been reported in the literature in individuals affected with ANKZF1-related conditions. ClinVar contains an entry for this variant (Variation ID: 1504049). In summary, the available evidence is currently insufficient to determine the role of this variant in disease. Therefore, it has been classified as a Variant of Uncertain Significance.

NM_018089.3(ANKZF1):c.2018C>T (p.Pro673Leu)

Gene: ANKZF1 (ankyrin repeat and zinc finger peptidyl tRNA hydrolase 1; plus strand). Cytogenetic location: 2q35.
Variant type: single nucleotide variant.
Coding change: c.2018C>T on transcript NM_018089.3 (MANE Select); coding-DNA position 2018, C replaced by T.
Protein change: p.Pro673Leu; replaces proline 673 with leucine.
Molecular consequence: missense variant.
Genome position (GRCh38, 1-based): chr2:219,236,056, C>T. VCF-style: chr2-219236056-C-T. GRCh37 (hg19) VCF-style: chr2-220100778-C-T.
Other names: c.2018C>T, p.Pro673Leu (NM_001042410.2); c.1388C>T, p.Pro463Leu (NM_001282792.2); short protein forms P463L, P673L.
Identifiers: ClinVar variation 1504049 (VCV001504049.8), dbSNP rs200850569, ClinGen allele CA2121279.